The following is an entry in ClinVar:

ClinVar aggregate classification (germline): Uncertain significance (1 of 4 stars; one submission).

gnomAD v4.1: 160 of 1,614,078 alleles (0.0099%); highest among the groups gnomAD compares: South Asian, 0.16%; 1 homozygote.

Submission:

Labcorp Genetics (formerly Invitae), Labcorp
Classification: Uncertain significance. Last evaluated: 2025-08-07. Review status: criteria provided, single submitter. Criteria: Invitae Variant Classification Sherloc (09022015). Collection method: clinical testing. Allele origin: germline.
Comment: This sequence change replaces proline, which is neutral and non-polar, with serine, which is neutral and polar, at codon 370 of the IARS2 protein (p.Pro370Ser). This variant is present in population databases (rs267598383, gnomAD 0.2%). This variant has not been reported in the literature in individuals affected with IARS2-related conditions. An algorithm developed to predict the effect of missense changes on protein structure and function outputs the following: PolyPhen-2: "Benign". The serine amino acid residue is found in multiple mammalian species, which suggests that this missense change does not adversely affect protein function. In summary, the available evidence is currently insufficient to determine the role of this variant in disease. Therefore, it has been classified as a Variant of Uncertain Significance.

NM_018060.4(IARS2):c.1108C>T (p.Pro370Ser)

Gene: IARS2 (isoleucyl-tRNA synthetase 2, mitochondrial; plus strand). Cytogenetic location: 1q41.
Variant type: single nucleotide variant.
Coding change: c.1108C>T on transcript NM_018060.4 (MANE Select); coding-DNA position 1108, C replaced by T.
Protein change: p.Pro370Ser; replaces proline 370 with serine.
Molecular consequence: missense variant.
Genome position (GRCh38, 1-based): chr1:220,105,932, C>T. VCF-style: chr1-220105932-C-T. GRCh37 (hg19) VCF-style: chr1-220279274-C-T.
Other names: short protein forms P370S.
Identifiers: ClinVar variation 4804321 (VCV004804321.1), dbSNP rs267598383.
Genomic context (GRCh38, chr1:220,105,932, plus strand): 5'-TGGTTTTCTTTCCCCACAGGTGTAGATTTGGAAAATGGTACTTGCAGTCATCCATTAATT[C>T]CTGATAAAGCCTCTCCTCTTTTACCTGCAAATCATGTGACCATGGCAAAAGGAACGGGAT-3'
Protein context (NP_060530.3, residues 360-380): ENGTCSHPLI[Pro370Ser]DKASPLLPAN